The following is an entry in ClinVar:

NM_004385.5(VCAN):c.2207T>C (p.Val736Ala)

Gene: VCAN (versican; plus strand). Cytogenetic location: 5q14.3.
Variant type: single nucleotide variant.
Coding change: c.2207T>C on transcript NM_004385.5 (MANE Select); coding-DNA position 2207, T replaced by C.
Protein change: p.Val736Ala; replaces valine 736 with alanine.
Molecular consequence: missense variant. On other transcripts: intron variant (2).
Genome position (GRCh38, 1-based): chr5:83,520,513, T>C. VCF-style: chr5-83520513-T-C. GRCh37 (hg19) VCF-style: chr5-82816332-T-C.
Other names: c.2207T>C, p.Val736Ala (NM_001164098.2); c.1042+8117T>C (NM_001164097.2, NM_001126336.3); short protein forms V736A.
Identifiers: ClinVar variation 1932524 (VCV001932524.5), dbSNP rs769573968, ClinGen allele CA3332809.

ClinVar aggregate classification (germline): Uncertain significance (1 of 4 stars; one submission).

Allele frequency attached by ClinVar (database versions not stated): gnomAD exomes below 0.00001; ExAC 0.00002; TOPMed 0.00002; gnomAD 0.00003.
gnomAD v4.1: 5 of 1,613,932 alleles (0.00031%); highest among the groups gnomAD compares: African/African-American, 0.0067%; no homozygotes.

Submission:

Labcorp Genetics (formerly Invitae), Labcorp
Classification: Uncertain significance. Last evaluated: 2022-04-24. Review status: criteria provided, single submitter. Criteria: Invitae Variant Classification Sherloc (09022015). Collection method: clinical testing. Allele origin: germline.
Comment: The frequency data for this variant in the population databases is considered unreliable, as metrics indicate poor data quality at this position in the gnomAD database. In summary, the available evidence is currently insufficient to determine the role of this variant in disease. Therefore, it has been classified as a Variant of Uncertain Significance. Algorithms developed to predict the effect of missense changes on protein structure and function (SIFT, PolyPhen-2, Align-GVGD) all suggest that this variant is likely to be tolerated. This variant has not been reported in the literature in individuals affected with VCAN-related conditions. This sequence change replaces valine, which is neutral and non-polar, with alanine, which is neutral and non-polar, at codon 736 of the VCAN protein (p.Val736Ala).